The following is an entry in ClinVar:

NM_018451.5(CPAP):c.900A>G (p.Glu300=)

Gene: CPAP (centrosome assembly and centriole elongation protein; minus strand). Cytogenetic location: 13q12.13.
Variant type: single nucleotide variant.
Coding change: c.900A>G on transcript NM_018451.5 (MANE Select); coding-DNA position 900, A replaced by G.
Protein change: p.Glu300=; no amino-acid change (glutamic acid 300 retained).
Molecular consequence: synonymous variant. On other transcripts: non-coding transcript variant (2).
Genome position (GRCh38, 1-based): chr13:24,908,092, T>C on the plus strand (A>G on the coding strand, the complement: CPAP is on the minus strand). VCF-style: chr13-24908092-T-C. GRCh37 (hg19) VCF-style: chr13-25482230-T-C.
Identifiers: ClinVar variation 3904892 (VCV003904892.10).

ClinVar aggregate classification (germline): Likely benign (1 of 4 stars; one submission).

gnomAD v4.1: 21 of 1,612,838 alleles (0.0013%); highest among the groups gnomAD compares: Non-Finnish European, 0.0017%; no homozygotes.

Submission:

CeGaT Center for Human Genetics Tuebingen
Classification: Likely benign. Last evaluated: 2025-06-01. Review status: criteria provided, single submitter. Criteria: CeGaT Center For Human Genetics Tuebingen Variant Classification Criteria Version 2. Collection method: clinical testing. Allele origin: germline. Affected: yes. Observed: 1 variant allele.
Comment: CPAP: BP4, BP7